The following is an entry in ClinVar:

NM_004082.5(DCTN1):c.2020C>T (p.Leu674Phe)

Gene: DCTN1 (dynactin subunit 1; minus strand). Cytogenetic location: 2p13.1.
Variant type: single nucleotide variant.
Coding change: c.2020C>T on transcript NM_004082.5 (MANE Select); coding-DNA position 2020, C replaced by T.
Protein change: p.Leu674Phe; replaces leucine 674 with phenylalanine.
Molecular consequence: missense variant. On other transcripts: non-coding transcript variant (1).
Genome position (GRCh38, 1-based): chr2:74,367,860, G>A on the plus strand (C>T on the coding strand, the complement: DCTN1 is on the minus strand). VCF-style: chr2-74367860-G-A. GRCh37 (hg19) VCF-style: chr2-74594987-G-A.
Other names: c.1960C>T, p.Leu654Phe (NM_001135040.3); c.1618C>T, p.Leu540Phe (NM_001135041.3, NM_023019.4); c.1909C>T, p.Leu637Phe (NM_001190836.2); c.1999C>T, p.Leu667Phe (NM_001190837.2); c.1969C>T, p.Leu657Phe (NM_001378991.1); c.1951C>T, p.Leu651Phe (NM_001378992.1); short protein forms L667F, L637F, L654F, L540F, L674F, L651F, L657F.
Identifiers: ClinVar variation 808776 (VCV000808776.48), dbSNP rs368531137, ClinGen allele CA1721966.

ClinVar aggregate classification (germline): Uncertain significance. Review status: criteria provided, multiple submitters, no conflicts (2 of 4 stars). 3 submissions from 3 submitters: Uncertain significance (3). Last evaluated 2025-09-14.

Conditions:
Inborn genetic diseases. Identifiers: MedGen C0950123, MeSH D030342.
Amyotrophic lateral sclerosis type 1 (ALS1). Also called: AMYOTROPHIC LATERAL SCLEROSIS 1, FAMILIAL. Identifiers: Orphanet 803, MedGen C1862939, MONDO:0007103, OMIM 105400.
Perry syndrome. Also called: PARKINSONISM WITH ALVEOLAR HYPOVENTILATION AND MENTAL DEPRESSION. Identifiers: Orphanet 178509, MedGen C1868594, MONDO:0008201, OMIM 168605.
Neuronopathy, distal hereditary motor, type 7B. Also called: HMN VIIB; NEURONOPATHY, DISTAL HEREDITARY MOTOR, AUTOSOMAL DOMINANT 14; NEURONOPATHY, DISTAL HEREDITARY MOTOR, HARDING TYPE VIIB; NEUROPATHY, DISTAL HEREDITARY MOTOR, HARDING TYPE VIIB; NEUROPATHY, DISTAL HEREDITARY MOTOR, WITH VOCAL CORD PARALYSIS, HARDING TYPE VIIB; Distal Hereditary Motor Neuronopathy Type 7B (dHMN7B). Identifiers: Orphanet 139589, MedGen C1843315, MONDO:0011879, OMIM 607641.

Allele frequency attached by ClinVar (database versions not stated): TOPMed 0.00001; ESP Exome Variant Server 0.00008.
gnomAD v4.1: 12 of 1,614,194 alleles (0.00074%); highest among the groups gnomAD compares: South Asian, 0.0011%; no homozygotes.

Submissions (3):

Labcorp Genetics (formerly Invitae), Labcorp
Classification: Uncertain significance for Amyotrophic lateral sclerosis type 1; Neuronopathy, distal hereditary motor, type 7B; Perry syndrome. Last evaluated: 2025-09-14. Review status: criteria provided, single submitter. Criteria: Invitae Variant Classification Sherloc (09022015). Collection method: clinical testing. Allele origin: germline.
Comment: This sequence change replaces leucine, which is neutral and non-polar, with phenylalanine, which is neutral and non-polar, at codon 674 of the DCTN1 protein (p.Leu674Phe). This variant is present in population databases (rs368531137, gnomAD 0.0009%). This variant has not been reported in the literature in individuals affected with DCTN1-related conditions. ClinVar contains an entry for this variant (Variation ID: 808776). Invitae Evidence Modeling of protein sequence and biophysical properties (such as structural, functional, and spatial information, amino acid conservation, physicochemical variation, residue mobility, and thermodynamic stability) has been performed for this missense variant. However, the output from this modeling did not meet the statistical confidence thresholds required to predict the impact of this variant on DCTN1 protein function. In summary, the available evidence is currently insufficient to determine the role of this variant in disease. Therefore, it has been classified as a Variant of Uncertain Significance.

Ambry Genetics
Classification: Uncertain significance for Inborn genetic diseases. Last evaluated: 2022-06-09. Review status: criteria provided, single submitter. Criteria: Ambry Variant Classification Scheme 2023. Collection method: clinical testing. Allele origin: germline.

CeGaT Center for Human Genetics Tuebingen
Classification: Uncertain significance. Last evaluated: 2018-10-01. Review status: criteria provided, single submitter. Criteria: CeGaT Center For Human Genetics Tuebingen Variant Classification Criteria Version 2. Collection method: clinical testing. Allele origin: germline. Affected: yes. Observed: 1 variant allele.